The following is an entry in ClinVar:

ClinVar aggregate classification (germline): Pathogenic/Likely pathogenic. Review status: criteria provided, multiple submitters, no conflicts (2 of 4 stars). 2 submissions from 2 submitters: Pathogenic (1); Likely pathogenic (1). Last evaluated 2025-07-28.

Conditions:
Peroxisome biogenesis disorder 9B. Also called: PEX7-Related Refsum Disease; PEROXISOME BIOGENESIS DISORDER, PEX7-RELATED, ATYPICAL; Refsum disease, adult, 2. Identifiers: Orphanet 773, MedGen C2749346, MONDO:0013945, OMIM 614879.
Rhizomelic chondrodysplasia punctata (RCDP). Identifiers: Orphanet 177, MedGen C0282529, MONDO:0015776. Disease mechanism: loss of function.

Submissions (2):

Natera, Inc.
Classification: Likely pathogenic for Rhizomelic Chondrodysplasia Punctata. Last evaluated: 2025-07-28. Review status: criteria provided, single submitter. Criteria: Natera Variant Classification Schema (03/2026). Collection method: clinical testing. Allele origin: germline.
Comment: The c.517del variant in PEX7 is a frameshift variant predicted to shift the reading frame beginning at codon 173 and leads to a stop codon 8 codons downstream. This variant is expected to result in nonsense mediated decay, truncation, or a dysfunctional protein product. This variant is rare in the general population with a frequency below the threshold expected for the associated phenotype(s). Given the available evidence, this variant is classified as Likely Pathogenic.

Labcorp Genetics (formerly Invitae), Labcorp
Classification: Pathogenic for Peroxisome biogenesis disorder 9B. Last evaluated: 2021-09-16. Review status: criteria provided, single submitter. Criteria: Invitae Variant Classification Sherloc (09022015). Collection method: clinical testing. Allele origin: germline.
Comment: For these reasons, this variant has been classified as Pathogenic. This variant has not been reported in the literature in individuals affected with PEX7-related conditions. This variant is not present in population databases (ExAC no frequency). This sequence change creates a premature translational stop signal (p.Ser173Glnfs*8) in the PEX7 gene. It is expected to result in an absent or disrupted protein product. Loss-of-function variants in PEX7 are known to be pathogenic (PMID: 12325024, 12522768, 20301447).

Literature cited by the submitters: PubMed 12325024 (cited by Labcorp Genetics (formerly Invitae), Labcorp); PubMed 12522768 (cited by Labcorp Genetics (formerly Invitae), Labcorp); PubMed 20301447 (cited by Labcorp Genetics (formerly Invitae), Labcorp).

NM_000288.4(PEX7):c.517del (p.Ser173fs)

Gene: PEX7 (peroxisomal biogenesis factor 7; plus strand). Cytogenetic location: 6q23.3.
Variant type: Deletion.
Coding change: c.517del on transcript NM_000288.4 (MANE Select); coding-DNA position 517, one base deleted (T; older notation c.517delT).
Protein change: p.Ser173fs; shifts the reading frame from serine 173.
Molecular consequence: frameshift variant.
Genome position (GRCh38, 1-based): chr6:136,846,172, T deleted; the last of 2 consecutive T bases (chr6:136,846,171-136,846,172); deleting either gives the same sequence. VCF-style (leftmost placement, unchanged base first): chr6-136846170-CT-C. GRCh37 (hg19) VCF-style: chr6-137167308-CT-C.
Other names: c.517del (NM_000288.3); short protein forms S173fs.
Identifiers: ClinVar variation 1421713 (VCV001421713.7), dbSNP rs2115171791, ClinGen allele CA2573140626.